The following is an entry in ClinVar:

ClinVar aggregate classification (germline): Likely pathogenic (1 of 4 stars; one submission).

Conditions:
Inborn genetic diseases. Identifiers: MedGen C0950123, MeSH D030342.

Submission:

Ambry Genetics
Classification: Likely pathogenic for Inborn genetic diseases. Last evaluated: 2025-11-13. Review status: criteria provided, single submitter. Criteria: Ambry Variant Classification Scheme 2023. Collection method: clinical testing. Allele origin: germline.
Comment: The c.413T>G (p.V138G) alteration is located in exon 6 (coding exon 6) of the PHIP gene. This alteration results from a T to G substitution at nucleotide position 413, causing the valine (V) at amino acid position 138 to be replaced by a glycine (G). This variant was not reported in population-based cohorts in the Genome Aggregation Database (gnomAD). This amino acid position is not well conserved in available vertebrate species. This missense alteration is located in a region that has a low rate of benign missense variation (Lek, 2016; Firth, 2009). This amino acid alteration is predicted to be tolerated by in silico analysis. In silico splice site analysis predicts that this nucleotide alteration will weaken the native splice donor site and will result in the creation or strengthening of a novel splice donor site. Based on the available evidence, this alteration is classified as likely pathogenic.

NM_017934.7(PHIP):c.413T>G (p.Val138Gly)

Gene: PHIP (PHIP subunit of CUL4-Ring ligase complex; minus strand). Cytogenetic location: 6q14.1.
Variant type: single nucleotide variant.
Coding change: c.413T>G on transcript NM_017934.7 (MANE Select); coding-DNA position 413, T replaced by G.
Protein change: p.Val138Gly; replaces valine 138 with glycine.
Molecular consequence: missense variant.
Genome position (GRCh38, 1-based): chr6:79,060,504, A>C on the plus strand (T>G on the coding strand, the complement: PHIP is on the minus strand). VCF-style: chr6-79060504-A-C. GRCh37 (hg19) VCF-style: chr6-79770221-A-C.
Other names: short protein forms V138G.
Identifiers: ClinVar variation 4627386 (VCV004627386.1).
Genomic context (GRCh38, chr6:79,060,504, plus strand): 5'-GGCTATTAACTACTAGTGAACTCAAACAACTCACCAATGCTGGGTGGGCTACCATAGTTA[A>C]CTGGTGACTCAGGTGGTCTTCCACAGTGCAACGCAGCCAGAGCAGATCCTTTCCACACAA-3'
Protein context (NP_060404.4, residues 128-148): LHCGRPPESP[Val138Gly]NYGSPPSIAD